The following is an entry in ClinVar:

NM_000535.7(PMS2):c.2205T>G (p.Asn735Lys)

Gene: PMS2 (PMS1 homolog 2, mismatch repair system component; minus strand). Cytogenetic location: 7p22.1.
Variant type: single nucleotide variant.
Coding change: c.2205T>G on transcript NM_000535.7 (MANE Select); coding-DNA position 2205, T replaced by G.
Protein change: p.Asn735Lys; replaces asparagine 735 with lysine.
Molecular consequence: missense variant. On other transcripts: non-coding transcript variant (1).
Genome position (GRCh38, 1-based): chr7:5,978,666, A>C on the plus strand (T>G on the coding strand, the complement: PMS2 is on the minus strand). VCF-style: chr7-5978666-A-C. GRCh37 (hg19) VCF-style: chr7-6018297-A-C.
Other names: c.1800T>G, p.Asn600Lys (NM_001018040.1, NM_001322003.2, NM_001322004.2 and 15 more transcripts); c.2049T>G, p.Asn683Lys (NM_001322006.2, NM_001406870.1); c.1887T>G, p.Asn629Lys (NM_001322007.2, NM_001322008.2, NM_001406876.1 and 1 more transcripts); c.1644T>G, p.Asn548Lys (NM_001322010.2, NM_001406906.1, NM_001406907.1); c.1272T>G, p.Asn424Lys (NM_001322011.2, NM_001322012.2); c.1632T>G, p.Asn544Lys (NM_001322013.2, NM_001406908.1, NM_001406909.1); c.2205T>G, p.Asn735Lys (NM_001322014.2); c.1896T>G, p.Asn632Lys (NM_001322015.2, NM_001406875.1, NM_001406877.1 and 5 more transcripts); and 14 more; short protein forms N544K, N627K, N629K, N632K, N669K, N548K, N564K, N623K.
Identifiers: ClinVar variation 1787688 (VCV001787688.5), dbSNP rs1200877781, ClinGen allele CA366736827.

ClinVar aggregate classification (germline): Uncertain significance. Review status: criteria provided, multiple submitters, no conflicts (2 of 4 stars). 2 submissions from 2 submitters: Uncertain significance (2). Last evaluated 2025-01-16.

Conditions:
Hereditary cancer-predisposing syndrome. Also called: Neoplastic Syndromes, Hereditary; Tumor predisposition; Hereditary Cancer Syndrome; Hereditary neoplastic syndrome. Identifiers: Orphanet 140162, MedGen C0027672, MeSH D009386, MONDO:0015356.

Submissions (2):

Ambry Genetics
Classification: Uncertain significance for Hereditary cancer-predisposing syndrome. Last evaluated: 2025-01-16. Review status: criteria provided, single submitter. Criteria: Ambry Variant Classification Scheme 2023. Collection method: clinical testing. Allele origin: germline.
Comment: The p.N735K variant (also known as c.2205T>G), located in coding exon 13 of the PMS2 gene, results from a T to G substitution at nucleotide position 2205. The asparagine at codon 735 is replaced by lysine, an amino acid with similar properties. This amino acid position is conserved. In addition, this alteration is predicted to be tolerated by in silico analysis. Since supporting evidence is limited at this time, the clinical significance of this alteration remains unclear.

Color Diagnostics, LLC DBA Color Health
Classification: Uncertain significance for Hereditary cancer-predisposing syndrome. Last evaluated: 2024-03-07. Review status: criteria provided, single submitter. Criteria: ACMG Guidelines, 2015. Collection method: clinical testing. Allele origin: germline.
Comment: This missense variant replaces asparagine with lysine at codon 735 of the PMS2 protein. Computational prediction suggests that this variant may not impact protein structure and function (internally defined REVEL score threshold <= 0.5, PMID: 27666373). To our knowledge, functional studies have not been reported for this variant. This variant has not been reported in individuals affected with PMS2-related disorders in the literature. This variant has not been identified in the general population by the Genome Aggregation Database (gnomAD). The available evidence is insufficient to determine the role of this variant in disease conclusively. Therefore, this variant is classified as a Variant of Uncertain Significance.